The following is an entry in ClinVar:

NM_004181.5(UCHL1):c.55C>T (p.Arg19Trp)

Gene: UCHL1 (ubiquitin C-terminal hydrolase L1; plus strand). Cytogenetic location: 4p13.
Variant type: single nucleotide variant.
Coding change: c.55C>T on transcript NM_004181.5 (MANE Select); coding-DNA position 55, C replaced by T.
Protein change: p.Arg19Trp; replaces arginine 19 with tryptophan.
Molecular consequence: missense variant.
Genome position (GRCh38, 1-based): chr4:41,257,618, C>T. VCF-style: chr4-41257618-C-T. GRCh37 (hg19) VCF-style: chr4-41259635-C-T.
Other names: short protein forms R19W.
Identifiers: ClinVar variation 2963967 (VCV002963967.3), dbSNP rs769924890, ClinGen allele CA2899914.

ClinVar aggregate classification (germline): Uncertain significance (1 of 4 stars; one submission).

gnomAD v4.1: 4 of 1,551,844 alleles (0.00026%); highest among the groups gnomAD compares: Non-Finnish European, 0.00035%; no homozygotes.

Submission:

Labcorp Genetics (formerly Invitae), Labcorp
Classification: Uncertain significance. Last evaluated: 2023-05-09. Review status: criteria provided, single submitter. Criteria: Invitae Variant Classification Sherloc (09022015). Collection method: clinical testing. Allele origin: germline.
Comment: In summary, the available evidence is currently insufficient to determine the role of this variant in disease. Therefore, it has been classified as a Variant of Uncertain Significance. This sequence change replaces arginine, which is basic and polar, with tryptophan, which is neutral and slightly polar, at codon 19 of the UCHL1 protein (p.Arg19Trp). The frequency data for this variant in the population databases is considered unreliable, as metrics indicate poor data quality at this position in the gnomAD database. This variant has not been reported in the literature in individuals affected with UCHL1-related conditions. An algorithm developed to predict the effect of missense changes on protein structure and function (PolyPhen-2) suggests that this variant is likely to be disruptive.